The following is an entry in ClinVar:

ClinVar aggregate classification (germline): Uncertain significance. Review status: criteria provided, multiple submitters, no conflicts (2 of 4 stars). 2 submissions from 2 submitters: Uncertain significance (2). Last evaluated 2024-08-27.

Allele frequency attached by ClinVar (database versions not stated): gnomAD exomes below 0.00001; gnomAD 0.00001.
gnomAD v4.1: 2 of 1,564,270 alleles (0.00013%); highest among the groups gnomAD compares: Middle Eastern, 0.018%; no homozygotes.

Submissions (2):

Blueprint Genetics
Classification: Uncertain significance. Last evaluated: 2024-08-27. Review status: criteria provided, single submitter. Criteria: ACMG Guidelines, 2015. Collection method: clinical testing. Allele origin: germline.

Labcorp Genetics (formerly Invitae), Labcorp
Classification: Uncertain significance. Last evaluated: 2022-08-22. Review status: criteria provided, single submitter. Criteria: Invitae Variant Classification Sherloc (09022015). Collection method: clinical testing. Allele origin: germline.
Comment: This sequence change replaces tyrosine, which is neutral and polar, with histidine, which is basic and polar, at codon 222 of the SI protein (p.Tyr222His). This variant is not present in population databases (gnomAD no frequency). This variant has not been reported in the literature in individuals affected with SI-related conditions. Advanced modeling of protein sequence and biophysical properties (such as structural, functional, and spatial information, amino acid conservation, physicochemical variation, residue mobility, and thermodynamic stability) performed at Invitae indicates that this missense variant is expected to disrupt SI protein function. In summary, the available evidence is currently insufficient to determine the role of this variant in disease. Therefore, it has been classified as a Variant of Uncertain Significance.

NM_001041.4(SI):c.664T>C (p.Tyr222His)

Gene: SI (sucrase-isomaltase; minus strand). Cytogenetic location: 3q26.1.
Variant type: single nucleotide variant.
Coding change: c.664T>C on transcript NM_001041.4 (MANE Select); coding-DNA position 664, T replaced by C.
Protein change: p.Tyr222His; replaces tyrosine 222 with histidine.
Molecular consequence: missense variant.
Genome position (GRCh38, 1-based): chr3:165,065,404, A>G on the plus strand (T>C on the coding strand, the complement: SI is on the minus strand). VCF-style: chr3-165065404-A-G. GRCh37 (hg19) VCF-style: chr3-164783192-A-G.
Other names: short protein forms Y222H.
Identifiers: ClinVar variation 1975703 (VCV001975703.3), dbSNP rs1714188342, ClinGen allele CA355032890.